The following is an entry in ClinVar:

NM_133259.4(LRPPRC):c.*399G>A

Gene: LRPPRC (leucine rich pentatricopeptide repeat containing; minus strand). Cytogenetic location: 2p21.
Variant type: single nucleotide variant.
Coding change: c.*399G>A on transcript NM_133259.4 (MANE Select); 399 bases downstream of the stop codon, G replaced by A.
Molecular consequence: 3 prime UTR variant.
Genome position (GRCh38, 1-based): chr2:43,888,201, C>T on the plus strand (G>A on the coding strand, the complement: LRPPRC is on the minus strand). VCF-style: chr2-43888201-C-T. GRCh37 (hg19) VCF-style: chr2-44115340-C-T.
Identifiers: ClinVar variation 336141 (VCV000336141.34), dbSNP rs149268737, ClinGen allele CA10613885.

ClinVar aggregate classification (germline): Conflicting classifications of pathogenicity. Review status: criteria provided, conflicting classifications (1 of 4 stars). 2 submissions from 2 submitters: Uncertain significance (1); Likely benign (1). Last evaluated 2022-11-01.

Conditions:
Congenital lactic acidosis, Saguenay-Lac-Saint-Jean type (MC4DN5). Also called: CYTOCHROME c OXIDASE DEFICIENCY, FRENCH CANADIAN TYPE; COX DEFICIENCY, FRENCH CANADIAN TYPE; MITOCHONDRIAL COMPLEX IV DEFICIENCY, NUCLEAR TYPE 5. Identifiers: Orphanet 70472, MedGen C1857355, MONDO:0009069, OMIM 220111.

Allele frequency attached by ClinVar (database versions not stated): 1000 Genomes Project 30x 0.00156; 1000 Genomes Project 0.00160; TOPMed 0.00450; gnomAD 0.00453 and 0.00473.
gnomAD v4.1: 1,128 of 241,852 alleles (0.47%); highest among the groups gnomAD compares: Non-Finnish European, 0.72%; 8 homozygotes.

Submissions (2):

CeGaT Center for Human Genetics Tuebingen
Classification: Likely benign. Last evaluated: 2022-11-01. Review status: criteria provided, single submitter. Criteria: CeGaT Center For Human Genetics Tuebingen Variant Classification Criteria Version 2. Collection method: clinical testing. Allele origin: germline. Affected: yes. Observed: 1 variant allele.
Comment: LRPPRC: BS2

Illumina Laboratory Services, Illumina
Classification: Uncertain significance for Congenital lactic acidosis, Saguenay-Lac-Saint-Jean type. Last evaluated: 2018-01-13. Review status: criteria provided, single submitter. Criteria: ICSL Variant Classification Criteria 13 December 2019. Collection method: clinical testing. Allele origin: germline.